The following is an entry in ClinVar:

NM_000044.6(AR):c.2578C>T (p.Leu860Phe)

Gene: AR (androgen receptor; plus strand). Cytogenetic location: Xq12.
Variant type: single nucleotide variant.
Coding change: c.2578C>T on transcript NM_000044.6 (MANE Select); coding-DNA position 2578, C replaced by T.
Protein change: p.Leu860Phe; replaces leucine 860 with phenylalanine.
Molecular consequence: missense variant.
Genome position (GRCh38, 1-based): chrX:67,722,955, C>T. VCF-style: chrX-67722955-C-T. GRCh37 (hg19) VCF-style: chrX-66942797-C-T.
Other names: c.982C>T, p.Leu328Phe (NM_001011645.3); short protein forms L328F, L860F.
Identifiers: ClinVar variation 4755689 (VCV004755689.1).

ClinVar aggregate classification (germline): Pathogenic (1 of 4 stars; one submission).

Submission:

GeneDx
Classification: Pathogenic. Last evaluated: 2025-08-08. Review status: criteria provided, single submitter. Criteria: GeneDx Variant Classification Process June 2021. Collection method: clinical testing. Allele origin: germline. Affected: yes.
Comment: Published functional studies demonstrate a damaging effect: markedly decreased transactivation at varying concentrations compared to wildtype (PMID: 17522416); In silico analysis supports that this missense variant has a deleterious effect on protein structure/function; Missense variants in this gene are a common cause of disease and they are underrepresented in the general population; Not observed at significant frequency in large population cohorts (gnomAD); This variant is associated with the following publications: (PMID: 38938059, 17522416, 16582414)